The following is an entry in ClinVar:

ClinVar aggregate classification (germline): Uncertain significance (1 of 4 stars; one submission).

Conditions:
Primary hyperoxaluria, type I (HP1). Also called: GLYCOLIC ACIDURIA; HEPATIC AGT DEFICIENCY; OXALOSIS I; Primary hyperoxaluria type 1. Identifiers: Orphanet 416, Orphanet 93598, MedGen C0268164, MONDO:0009823, OMIM 259900. Disease mechanism: loss of function.

Submission:

Victorian Clinical Genetics Services, Murdoch Childrens Research Institute
Classification: Uncertain significance for Primary hyperoxaluria, type I. Last evaluated: 2023-07-17. Review status: criteria provided, single submitter. Criteria: ACMG Guidelines, 2015. Collection method: clinical testing. Allele origin: germline. Inheritance: Autosomal recessive inheritance.
Comment: Based on the classification scheme VCGS_Germline_v1.3.4, this variant is classified as VUS-3A. Following criteria are met: 0102 - Loss of function is a known mechanism of disease in this gene and is associated with primary hyperoxaluria type 1 (MIM#259900). (I) 0106 - This gene is associated with autosomal recessive disease. (I) 0115 - Variants in this gene are known to have variable expressivity, with intrafamilial variability reported (GeneReviews). (I) 0200 - Variant is predicted to result in a missense amino acid change from glycine to asparagine. (I) 0251 - This variant is heterozygous. (I) 0301 - Variant is absent from gnomAD (both v2 and v3). (SP) 0502 - Missense variant with uninformative in silico predictions and conservation. (I) 0600 - Variant is located in the annotated aminotransferase class-V (DECIPHER). (I) 0704 - Another missense variant comparable to the one identified in this case has limited previous evidence for pathogenicity. This alternative change p.(Gly349Ser)) has been reported in a single individual with primary hyperoxaluria (PMID: 25629080). Another alternative change (p.(Gly349Asp)) has been reported once as a VUS (ClinVar). (SP) 0807 - This variant has no previous evidence of pathogenicity. (I) 0905 - No published segregation evidence has been identified for this variant. (I) 1007 - No published functional evidence has been identified for this variant. (I) 1208 - Inheritance information for this variant is not currently available in this individual. (I) Legend: (SP) - Supporting pathogenic, (I) - Information, (SB) - Supporting benign

Literature cited by the submitters: PubMed 25629080.

NM_000030.3(AGXT):c.1045_1046delinsAA (p.Gly349Asn)

Gene: AGXT (alanine--glyoxylate aminotransferase; plus strand). Cytogenetic location: 2q37.3.
Variant type: Indel.
Coding change: c.1045_1046delinsAA on transcript NM_000030.3 (MANE Select); coding-DNA positions 1045 to 1046, GG replaced by AA.
Protein change: p.Gly349Asn; replaces glycine 349 with asparagine.
Molecular consequence: missense variant.
Genome position (GRCh38, 1-based): chr2:240,878,124-240,878,125, GG replaced by AA. VCF-style: chr2-240878124-GG-AA. GRCh37 (hg19) VCF-style: chr2-241817541-GG-AA.
Other names: short protein forms G349N.
Identifiers: ClinVar variation 3254700 (VCV003254700.1), dbSNP rs2528764614.
Genomic context (GRCh38, chr2:240,878,124, plus strand): 5'-GGCTATGACTGGAGAGACATCGTCAGCTACGTCATAGACCACTTCGACATTGAGATCATG[GG>AA]TGGCCTTGGGCCCTCCACGGGGAAGGTGAGAGGGAGCGCCTCGAGGGCCTTTTGCAGAAA-3'
Protein context (NP_000021.1, residues 339-359): VIDHFDIEIM[Gly349Asn]GLGPSTGKVL